The following is an entry in ClinVar:

ClinVar aggregate classification (germline): Benign/Likely benign. Review status: criteria provided, multiple submitters, no conflicts (2 of 4 stars). 6 submissions from 6 submitters: Benign (2); Likely benign (3). 1 of the submissions does not count toward it. Last evaluated 2025-12-03.

Conditions:
Early-infantile DEE. Also called: Ohtahara syndrome; Early infantile epileptic encephalopathy with suppression bursts; Early infantile epileptic encephalopathy. Identifiers: Orphanet 1934, MedGen C0393706, MONDO:0800491.
Inborn genetic diseases. Identifiers: MedGen C0950123, MeSH D030342.
SPTAN1-related disorder. Also called: SPTAN1-related condition; SPTAN1-related disorders.
Developmental and epileptic encephalopathy, 5 (DEE5). Identifiers: Orphanet 3451, MedGen C3150731, MONDO:0013277, OMIM 613477.

Allele frequency attached by ClinVar (database versions not stated): TOPMed 0.00003; gnomAD 0.00004; ESP Exome Variant Server 0.00008.
gnomAD v4.1: 114 of 1,610,362 alleles (0.0071%); highest among the groups gnomAD compares: Non-Finnish European, 0.0091%; no homozygotes.

Submissions (6):

Labcorp Genetics (formerly Invitae), Labcorp
Classification: Likely benign for Early-infantile DEE. Last evaluated: 2025-12-03. Review status: criteria provided, single submitter. Criteria: Invitae Variant Classification Sherloc (09022015). Collection method: clinical testing. Allele origin: germline.

CeGaT Center for Human Genetics Tuebingen
Classification: Likely benign. Last evaluated: 2021-11-01. Review status: criteria provided, single submitter. Criteria: CeGaT Center For Human Genetics Tuebingen Variant Classification Criteria Version 2. Collection method: clinical testing. Allele origin: germline. Affected: yes. Observed: 1 variant allele.

Genome-Nilou Lab
Classification: Benign for Developmental and epileptic encephalopathy, 5. Last evaluated: 2021-07-15. Review status: criteria provided, single submitter. Criteria: ACMG Guidelines, 2015. Collection method: clinical testing. Allele origin: germline. Affected: no.

Ambry Genetics
Classification: Likely benign for Inborn genetic diseases. Last evaluated: 2017-09-18. Review status: criteria provided, single submitter. Criteria: Ambry Variant Classification Scheme 2023. Collection method: clinical testing. Allele origin: germline.

GeneDx
Classification: Benign. Last evaluated: 2015-08-12. Review status: criteria provided, single submitter. Criteria: GeneDx Variant Classification (06012015). Collection method: clinical testing. Allele origin: germline. Affected: yes.
Comment: This variant is considered likely benign or benign based on one or more of the following criteria: it is a conservative change, it occurs at a poorly conserved position in the protein, it is predicted to be benign by multiple in silico algorithms, and/or has population frequency not consistent with disease.

PreventionGenetics, part of Exact Sciences
Classification: Likely benign for SPTAN1-related condition. Last evaluated: 2024-03-15. Review status: no assertion criteria provided. Collection method: clinical testing. Allele origin: germline. Not counted in ClinVar's aggregate classification.
Comment: This variant is classified as likely benign based on ACMG/AMP sequence variant interpretation guidelines (Richards et al. 2015 PMID: 25741868, with internal and published modifications).

NM_001130438.3(SPTAN1):c.3186A>T (p.Val1062=)

Gene: SPTAN1 (spectrin alpha, non-erythrocytic 1; plus strand). Cytogenetic location: 9q34.11.
Variant type: single nucleotide variant.
Coding change: c.3186A>T on transcript NM_001130438.3 (MANE Select); coding-DNA position 3186, A replaced by T.
Protein change: p.Val1062=; no amino-acid change (valine 1062 retained).
Molecular consequence: synonymous variant. On other transcripts: intron variant (2).
Genome position (GRCh38, 1-based): chr9:128,593,013, A>T. VCF-style: chr9-128593013-A-T. GRCh37 (hg19) VCF-style: chr9-131355292-A-T.
Other names: c.3186A>T, p.Val1062= (NM_001363759.2, NM_003127.4); c.3156-1162A>T (NM_001363765.2, NM_001195532.2).
Identifiers: ClinVar variation 378658 (VCV000378658.48), dbSNP rs372807389, ClinGen allele CA16605354.